The following is an entry in ClinVar:

ClinVar aggregate classification (germline): Uncertain significance (1 of 4 stars; one submission).

Submission:

GeneDx
Classification: Uncertain significance. Last evaluated: 2023-06-29. Review status: criteria provided, single submitter. Criteria: GeneDx Variant Classification Process June 2021. Collection method: clinical testing. Allele origin: germline. Affected: yes.
Comment: Not observed at significant frequency in large population cohorts (gnomAD); In silico analysis supports that this missense variant has a deleterious effect on protein structure/function; Has not been previously published as pathogenic or benign to our knowledge

NM_003072.5(SMARCA4):c.2254G>T (p.Gly752Cys)

Gene: SMARCA4 (SWI/SNF related BAF chromatin remodeling complex subunit ATPase 4; plus strand). Cytogenetic location: 19p13.2.
Variant type: single nucleotide variant.
Coding change: c.2254G>T on transcript NM_003072.5 (MANE Select); coding-DNA position 2254, G replaced by T.
Protein change: p.Gly752Cys; replaces glycine 752 with cysteine.
Molecular consequence: missense variant. On other transcripts: non-coding transcript variant (1).
Genome position (GRCh38, 1-based): chr19:11,010,511, G>T. VCF-style: chr19-11010511-G-T. GRCh37 (hg19) VCF-style: chr19-11121187-G-T.
Other names: c.2254G>T, p.Gly752Cys (NM_001128844.3, NM_001128845.2, NM_001128846.2 and 6 more transcripts); short protein forms G752C.
Identifiers: ClinVar variation 3360669 (VCV003360669.1).